The following is an entry in ClinVar:

ClinVar aggregate classification (germline): Benign/Likely benign. Review status: criteria provided, multiple submitters, no conflicts (2 of 4 stars). 7 submissions from 7 submitters: Benign (4); Likely benign (2). 1 of the submissions does not count toward it. Last evaluated 2024-11-08.

Conditions:
Diamond-Blackfan anemia 10 (DBA10). Also called: RPS26-Related Diamond-Blackfan Anemia. Identifiers: Orphanet 124, MedGen C2750080, MONDO:0013217, OMIM 613309.
RPS26-related disorder. Also called: RPS26-related condition.

Allele frequency attached by ClinVar (database versions not stated): gnomAD 0.00060 and 0.00056; TOPMed 0.00069; ExAC 0.00078; 1000 Genomes Project 30x 0.00094; 1000 Genomes Project 0.00100; ESP Exome Variant Server 0.00031.
gnomAD v4.1: 1,090 of 1,614,080 alleles (0.068%); highest among the groups gnomAD compares: Middle Eastern, 0.31%; 6 homozygotes.

Submissions (7):

Blueprint Genetics
Classification: Likely benign. Last evaluated: 2024-11-08. Review status: criteria provided, single submitter. Criteria: ACMG Guidelines, 2015. Collection method: clinical testing. Allele origin: germline.

CeGaT Center for Human Genetics Tuebingen
Classification: Benign. Last evaluated: 2024-06-01. Review status: criteria provided, single submitter. Criteria: CeGaT Center For Human Genetics Tuebingen Variant Classification Criteria Version 2. Collection method: clinical testing. Allele origin: germline. Affected: yes. Observed: 2 variant alleles.
Comment: RPS26: BS1, BS2

Fulgent Genetics
Classification: Likely benign for Diamond-Blackfan anemia 10. Last evaluated: 2022-05-04. Review status: criteria provided, single submitter. Criteria: ACMG Guidelines, 2015. Collection method: clinical testing. Allele origin: unknown.

Genetic Services Laboratory, University of Chicago
Classification: Benign. Last evaluated: 2021-06-18. Review status: criteria provided, single submitter. Criteria: ACMG Guidelines, 2015. Collection method: clinical testing. Allele origin: germline. Affected: no.

Illumina Laboratory Services, Illumina
Classification: Benign for Diamond-Blackfan anemia 10. Last evaluated: 2018-01-13. Review status: criteria provided, single submitter. Criteria: ICSL Variant Classification Criteria 13 December 2019. Collection method: clinical testing. Allele origin: germline.
Comment: This variant was observed in the ICSL laboratory as part of a predisposition screen in an ostensibly healthy population. It had not been previously curated by ICSL or reported in the Human Gene Mutation Database (HGMD: prior to June 1st, 2018), and was therefore a candidate for classification through an automated scoring system. Utilizing variant allele frequency, disease prevalence and penetrance estimates, and inheritance mode, an automated score was calculated to assess if this variant is too frequent to cause the disease. Based on the score and internal cut-off values, a variant classified as benign is not then subjected to further curation. The score for this variant resulted in a classification of benign for this disease.

Breakthrough Genomics
Classification: Benign. Review status: criteria provided, single submitter. Criteria: ACMG Guidelines, 2015. Collection method: not provided. Allele origin: germline. Inheritance: Autosomal dominant inheritance. Affected: yes.

PreventionGenetics, part of Exact Sciences
Classification: Likely benign for RPS26-related condition. Last evaluated: 2021-01-02. Review status: no assertion criteria provided. Collection method: clinical testing. Allele origin: germline. Not counted in ClinVar's aggregate classification.
Comment: This variant is classified as likely benign based on ACMG/AMP sequence variant interpretation guidelines (Richards et al. 2015 PMID: 25741868, with internal and published modifications).

NM_001029.5(RPS26):c.-3A>G

Gene: RPS26 (ribosomal protein S26; plus strand). Cytogenetic location: 12q13.2.
Variant type: single nucleotide variant.
Coding change: c.-3A>G on transcript NM_001029.5 (MANE Select); 3 bases upstream of the start codon, A replaced by G.
Molecular consequence: 5 prime UTR variant.
Genome position (GRCh38, 1-based): chr12:56,042,164, A>G. VCF-style: chr12-56042164-A-G. GRCh37 (hg19) VCF-style: chr12-56435948-A-G.
Other names: c.-3A>G (LRG_1146t1).
Identifiers: ClinVar variation 309858 (VCV000309858.36), dbSNP rs181174349, ClinGen allele CA6621647.
Genomic context (GRCh38, chr12:56,042,164, plus strand): 5'-TCTCATGCTATATAGGAGGGCCCTGCCAGGCACCGTCTCCTCTCTCCGGTCCGTGCCTCC[A>G]AGATGGTGAGTCTTCTTGCGTGGTGAGGGTGGGGGTTCGGGTGCAGACTCTGGGATTGTG-3'